The following is an entry in ClinVar:

ClinVar aggregate classification (germline): Uncertain significance (1 of 4 stars; one submission).

Conditions:
COACH syndrome 1. Identifiers: Orphanet 1454, MedGen C5435651, MONDO:0800103, OMIM 216360, MONDO:0008996.

Allele frequency attached by ClinVar (database versions not stated): gnomAD exomes 0.00001.
gnomAD v4.1: 7 of 1,609,924 alleles (0.00043%); highest among the groups gnomAD compares: Non-Finnish European, 0.00059%; no homozygotes.

Submission:

Baylor Genetics
Classification: Uncertain significance for COACH syndrome 1. Last evaluated: 2019-07-04. Review status: criteria provided, single submitter. Criteria: ACMG Guidelines, 2015. Collection method: clinical testing. Allele origin: unknown. Affected: yes.
Comment: This variant was determined to be of uncertain significance according to ACMG Guidelines, 2015 [PMID:25741868].

NM_015272.5(RPGRIP1L):c.1499C>A (p.Ala500Glu)

Gene: RPGRIP1L (RPGRIP1 like; minus strand). Cytogenetic location: 16q12.2.
Variant type: single nucleotide variant.
Coding change: c.1499C>A on transcript NM_015272.5 (MANE Select); coding-DNA position 1499, C replaced by A.
Protein change: p.Ala500Glu; replaces alanine 500 with glutamic acid.
Molecular consequence: missense variant.
Genome position (GRCh38, 1-based): chr16:53,657,535, G>T on the plus strand (C>A on the coding strand, the complement: RPGRIP1L is on the minus strand). VCF-style: chr16-53657535-G-T. GRCh37 (hg19) VCF-style: chr16-53691447-G-T.
Other names: c.1499C>A, p.Ala500Glu (NM_001127897.4, NM_001308334.3, NM_001330538.2); short protein forms A500E.
Identifiers: ClinVar variation 1029108 (VCV001029108.1), dbSNP rs1029054579, ClinGen allele CA281347015.
Genomic context (GRCh38, chr16:53,657,535, plus strand): 5'-TGTTGCATAATTAGCATGTTTCTTGTCTTTTCCAGCTCTTGCACCGTTTCTGCATGAGTT[G>T]CTTGCAGCTCTCTCATAGAGCGTTCTAGATCTTTATTAATTTCACTATCTACTTTCACTA-3'
Protein context (NP_056087.2, residues 490-510): DLERSMRELQ[Ala500Glu]THAETVQELE